The following is an entry in ClinVar:

NM_000271.5(NPC1):c.1309A>G (p.Ile437Val)

Gene: NPC1 (NPC intracellular cholesterol transporter 1; minus strand). Cytogenetic location: 18q11.2.
Variant type: single nucleotide variant.
Coding change: c.1309A>G on transcript NM_000271.5 (MANE Select); coding-DNA position 1309, A replaced by G.
Protein change: p.Ile437Val; replaces isoleucine 437 with valine.
Molecular consequence: missense variant.
Genome position (GRCh38, 1-based): chr18:23,556,260, T>C on the plus strand (A>G on the coding strand, the complement: NPC1 is on the minus strand). VCF-style: chr18-23556260-T-C. GRCh37 (hg19) VCF-style: chr18-21136224-T-C.
Other names: short protein forms I437V.
Identifiers: ClinVar variation 1356758 (VCV001356758.6), dbSNP rs2145455256, ClinGen allele CA401777089.
Genomic context (GRCh38, chr18:23,556,260, plus strand): 5'-CAAGGTCATCTAGAGTGACTTATTTCTTCAAACAGCAGGTTACCTGGTGCAGTATCTGTA[T>C]GTCAAGCGGAGGTCCAAAGGGTACATCAGCTCCCGAAGGGTATGGCTGGTAAATGTGTTT-3'
Protein context (NP_000262.2, residues 427-447): ADVPFGPPLD[Ile437Val]QILHQVLDLQ

ClinVar aggregate classification (germline): Uncertain significance (1 of 4 stars; one submission).

Conditions:
Niemann-Pick disease, type C1. Also called: NEUROVISCERAL STORAGE DISEASE WITH VERTICAL SUPRANUCLEAR OPHTHALMOPLEGIA; NIEMANN-PICK DISEASE WITH CHOLESTEROL ESTERIFICATION BLOCK; NIEMANN-PICK DISEASE WITHOUT SPHINGOMYELINASE DEFICIENCY; NIEMANN-PICK DISEASE, CHRONIC NEURONOPATHIC FORM; NIEMANN-PICK DISEASE, VARIANT TYPE C1. Identifiers: Orphanet 646, MedGen C3179455, MONDO:0009757, OMIM 257220.

gnomAD v4.1: 2 of 1,614,148 alleles (0.00012%); highest among the groups gnomAD compares: East Asian, 0.0022%; no homozygotes.

Submission:

Labcorp Genetics (formerly Invitae), Labcorp
Classification: Uncertain significance for Niemann-Pick disease, type C1. Last evaluated: 2024-10-16. Review status: criteria provided, single submitter. Criteria: Invitae Variant Classification Sherloc (09022015). Collection method: clinical testing. Allele origin: germline.
Comment: This sequence change replaces isoleucine, which is neutral and non-polar, with valine, which is neutral and non-polar, at codon 437 of the NPC1 protein (p.Ile437Val). This variant is not present in population databases (gnomAD no frequency). This variant has not been reported in the literature in individuals affected with NPC1-related conditions. ClinVar contains an entry for this variant (Variation ID: 1356758). Invitae Evidence Modeling of protein sequence and biophysical properties (such as structural, functional, and spatial information, amino acid conservation, physicochemical variation, residue mobility, and thermodynamic stability) indicates that this missense variant is not expected to disrupt NPC1 protein function with a negative predictive value of 95%. In summary, the available evidence is currently insufficient to determine the role of this variant in disease. Therefore, it has been classified as a Variant of Uncertain Significance.